The following is an entry in ClinVar:

ClinVar aggregate classification (germline): Uncertain significance (1 of 4 stars; one submission).

gnomAD v4.1: 4 of 1,590,136 alleles (0.00025%); highest among the groups gnomAD compares: South Asian, 0.0022%; no homozygotes.

Submission:

Labcorp Genetics (formerly Invitae), Labcorp
Classification: Uncertain significance. Last evaluated: 2022-11-22. Review status: criteria provided, single submitter. Criteria: Invitae Variant Classification Sherloc (09022015). Collection method: clinical testing. Allele origin: germline.
Comment: This sequence change replaces phenylalanine, which is neutral and non-polar, with leucine, which is neutral and non-polar, at codon 933 of the COL18A1 protein (p.Phe933Leu). The frequency data for this variant in the population databases is considered unreliable, as metrics indicate poor data quality at this position in the gnomAD database. This variant has not been reported in the literature in individuals affected with COL18A1-related conditions. ClinVar contains an entry for this variant (Variation ID: 1485260). Experimental studies and prediction algorithms are not available or were not evaluated, and the functional significance of this variant is currently unknown. Algorithms developed to predict the effect of sequence changes on RNA splicing suggest that this variant may disrupt the consensus splice site. In summary, the available evidence is currently insufficient to determine the role of this variant in disease. Therefore, it has been classified as a Variant of Uncertain Significance.

NM_001379500.1(COL18A1):c.2799C>A (p.Phe933Leu)

Genes: COL18A1 (collagen type XVIII alpha 1 chain; plus strand), SLC19A1 (solute carrier family 19 member 1; minus strand). Cytogenetic location: 21q22.3.
Variant type: single nucleotide variant.
Coding change: c.2799C>A on transcript NM_001379500.1 (MANE Select); coding-DNA position 2799, C replaced by A.
Protein change: p.Phe933Leu; replaces phenylalanine 933 with leucine.
Molecular consequence: missense variant.
Genome position (GRCh38, 1-based): chr21:45,504,487, C>A. VCF-style: chr21-45504487-C-A. GRCh37 (hg19) VCF-style: chr21-46924401-C-A.
Other names: c.3339C>A, p.Phe1113Leu (NM_030582.4); c.4044C>A, p.Phe1348Leu (NM_130444.3); short protein forms F1113L, F933L, F1348L.
Identifiers: ClinVar variation 1485260 (VCV001485260.6), dbSNP rs370771189, ClinGen allele CA410499231.